The following is an entry in ClinVar:

NM_000038.6(APC):c.7471A>G (p.Met2491Val)

Gene: APC (APC regulator of Wnt signaling pathway; plus strand). Cytogenetic location: 5q22.2.
Variant type: single nucleotide variant.
Coding change: c.7471A>G on transcript NM_000038.6 (MANE Select); coding-DNA position 7471, A replaced by G.
Protein change: p.Met2491Val; replaces methionine 2491 with valine.
Molecular consequence: missense variant.
Genome position (GRCh38, 1-based): chr5:112,843,065, A>G. VCF-style: chr5-112843065-A-G. GRCh37 (hg19) VCF-style: chr5-112178762-A-G.
Other names: c.7471A>G, p.Met2491Val (NM_001127510.3, NM_001354895.2); c.7417A>G, p.Met2473Val (NM_001127511.3); c.7525A>G, p.Met2509Val (NM_001354896.2); c.7501A>G, p.Met2501Val (NM_001354897.2); c.7396A>G, p.Met2466Val (NM_001354898.2); c.7387A>G, p.Met2463Val (NM_001354899.2); c.7348A>G, p.Met2450Val (NM_001354900.2); c.7294A>G, p.Met2432Val (NM_001354901.2); and 5 more; short protein forms M2473V, M2491V, M2331V, M2400V, M2432V, M2390V, M2466V, M2501V.
Identifiers: ClinVar variation 231549 (VCV000231549.34), dbSNP rs375674083, ClinGen allele CA048161.

ClinVar aggregate classification (germline): Conflicting classifications of pathogenicity. Review status: criteria provided, conflicting classifications (1 of 4 stars). 12 submissions from 12 submitters: Uncertain significance (8); Likely benign (3). 1 of the submissions does not count toward it. Last evaluated 2025-11-05.

Conditions:
APC-related disorder. Also called: APC-related condition.
Hereditary cancer-predisposing syndrome. Also called: Neoplastic Syndromes, Hereditary; Tumor predisposition; Hereditary Cancer Syndrome; Hereditary neoplastic syndrome. Identifiers: Orphanet 140162, MedGen C0027672, MeSH D009386, MONDO:0015356.
Familial adenomatous polyposis 1 (FAP1). Also called: FAMILIAL ADENOMATOUS POLYPOSIS 1, ATTENUATED; POLYPOSIS, ADENOMATOUS INTESTINAL. Identifiers: MedGen C2713442, MONDO:0021056, OMIM 175100. Disease mechanism: loss of function.

Allele frequency attached by ClinVar (database versions not stated): gnomAD exomes 0.00001 and 0.00002; ExAC 0.00003; gnomAD 0.00007 and 0.00008; TOPMed 0.00010; ESP Exome Variant Server 0.00023.
gnomAD v4.1: 23 of 1,613,750 alleles (0.0014%); highest among the groups gnomAD compares: African/African-American, 0.016%; no homozygotes.

Submissions (12):

Labcorp Genetics (formerly Invitae), Labcorp
Classification: Uncertain significance for Familial adenomatous polyposis 1. Last evaluated: 2025-11-05. Review status: criteria provided, single submitter. Criteria: Invitae Variant Classification Sherloc (09022015). Collection method: clinical testing. Allele origin: germline.
Comment: This sequence change replaces methionine, which is neutral and non-polar, with valine, which is neutral and non-polar, at codon 2491 of the APC protein (p.Met2491Val). This variant is present in population databases (rs375674083, gnomAD 0.02%). This missense change has been observed in individual(s) with breast cancer and colorectal cancer (PMID: 28135145, 28503720). ClinVar contains an entry for this variant (Variation ID: 231549). Invitae Evidence Modeling of protein sequence and biophysical properties (such as structural, functional, and spatial information, amino acid conservation, physicochemical variation, residue mobility, and thermodynamic stability) indicates that this missense variant is not expected to disrupt APC protein function with a negative predictive value of 95%. In summary, the available evidence is currently insufficient to determine the role of this variant in disease. Therefore, it has been classified as a Variant of Uncertain Significance.

PreventionGenetics, part of Exact Sciences
Classification: Uncertain significance for APC-related condition. Last evaluated: 2025-09-04. Review status: criteria provided, single submitter. Criteria: ACMG Guidelines, 2015. Collection method: clinical testing. Allele origin: germline.
Comment: The APC c.7471A>G variant is predicted to result in the amino acid substitution p.Met2491Val. This variant has been reported in an individual with invasive breast cancer and another individual with colon cancer (Rummel et al. 2017. PubMed ID: 28503720; Yurgelun et al. 2017. PubMed ID: 28135145). This variant is reported in 0.024% of alleles in individuals of African descent in gnomAD, which is higher than expected for a pathogenic variant in APC (Spier et al. 2023. PubMed ID: 37800450). It has conflicting interpretations in ClinVar ranging from uncertain to likely benign (Variation ID: 231549). Although we suspect that this variant may be benign, the clinical significance of this variant is classified as uncertain at this time due to insufficient functional and genetic evidence.

Quest Diagnostics Nichols Institute San Juan Capistrano
Classification: Uncertain significance. Last evaluated: 2025-07-15. Review status: criteria provided, single submitter. Criteria: Quest Diagnostics criteria. Collection method: clinical testing. Allele origin: unknown.
Comment: The APC c.7471A>G (p.Met2491Val) variant has been reported in the published literature in an individual with invasive breast cancer (PMID: 28503720 (2017)) and an individual with colorectal cancer (PMID: 28135145 (2017)). The frequency of this variant in the general population (Genome Aggregation Database) is higher than would generally be expected for pathogenic variants in this gene. Analysis of this variant using bioinformatics tools for the prediction of the effect of amino acid changes on protein structure and function yielded conflicting predictions that this variant is deleterious or benign. Based on the available information, we are unable to determine the clinical significance of this variant.

Myriad Genetics, Inc.
Classification: Likely benign for Familial adenomatous polyposis 1. Last evaluated: 2025-01-29. Review status: criteria provided, single submitter. Criteria: Myriad Autosomal Dominant, Autosomal Recessive and X-Linked Classification Criteria (2023). Collection method: clinical testing. Allele origin: unknown.
Comment: This variant is considered likely benign. This variant has been observed at a population frequency that is significantly greater than expected given the associated disease prevalence and penetrance.

GeneDx
Classification: Uncertain significance. Last evaluated: 2024-03-06. Review status: criteria provided, single submitter. Criteria: GeneDx Variant Classification Process June 2021. Collection method: clinical testing. Allele origin: germline. Affected: yes.
Comment: In silico analysis supports that this missense variant does not alter protein structure/function; Observed in individuals with breast or colorectal cancer (PMID: 28503720, 28135145); This variant is associated with the following publications: (PMID: 28503720, 28135145)

Baylor Genetics
Classification: Uncertain significance for Familial adenomatous polyposis 1. Last evaluated: 2023-10-16. Review status: criteria provided, single submitter. Criteria: ACMG Guidelines, 2015. Collection method: clinical testing. Allele origin: unknown.

Color Diagnostics, LLC DBA Color Health
Classification: Likely benign for Hereditary cancer-predisposing syndrome. Last evaluated: 2023-09-21. Review status: criteria provided, single submitter. Criteria: ACMG Guidelines, 2015. Collection method: clinical testing. Allele origin: germline.

Sema4
Classification: Uncertain significance for Hereditary cancer-predisposing syndrome. Last evaluated: 2021-09-14. Review status: criteria provided, single submitter. Criteria: Sema4 Curation Guidelines. Collection method: curation. Allele origin: germline.
Comment: The APC c.7471A>G (p.M2491V) variant has been reported in heterozygosity in at least one individual with colorectal cancer and one individual with breast cancer (PMID: 28135145, 28503720). It was observed in 6/24960 chromosomes of the African/African American subpopulation in the large and broad cohorts of the Genome Aggregation Database (PMID: 32461654). The variant has been reported in ClinVar (Variation ID 231549). Functional studies have not been performed, and in silico predictions of the variant's effect on protein function are inconclusive. The evidence is insufficient to meet ACMG/AMP criteria for classifying the variant as benign or pathogenic. Thus, the clinical significance of this variant is currently uncertain.

Ambry Genetics
Classification: Likely benign for Hereditary cancer-predisposing syndrome. Last evaluated: 2021-03-08. Review status: criteria provided, single submitter. Criteria: Ambry Variant Classification Scheme 2023. Collection method: clinical testing. Allele origin: germline.

Blueprint Genetics
Classification: Uncertain significance. Last evaluated: 2020-03-11. Review status: criteria provided, single submitter. Criteria: ACMG Guidelines, 2015. Collection method: clinical testing. Allele origin: germline.

Mendelics
Classification: Uncertain significance for Familial adenomatous polyposis 1. Last evaluated: 2018-07-02. Review status: criteria provided, single submitter. Criteria: Mendelics Assertion Criteria 2017. Collection method: clinical testing. Allele origin: unknown.

Counsyl
Classification: Uncertain significance for Familial adenomatous polyposis 1. Last evaluated: 2016-10-03. Review status: no assertion criteria provided. Collection method: clinical testing. Allele origin: unknown. Not counted in ClinVar's aggregate classification.

Literature cited by the submitters: PubMed 28135145 (cited by 3 submitters); PubMed 28503720 (cited by 4 submitters).